The following is an entry in ClinVar:

NM_001267550.2(TTN):c.27809A>G (p.Asn9270Ser)

Gene: TTN (titin; minus strand). Cytogenetic location: 2q31.2.
Variant type: single nucleotide variant.
Coding change: c.27809A>G on transcript NM_001267550.2 (MANE Select); coding-DNA position 27809, A replaced by G.
Protein change: p.Asn9270Ser; replaces asparagine 9270 with serine.
Molecular consequence: missense variant. On other transcripts: intron variant (3).
Genome position (GRCh38, 1-based): chr2:178,712,021, T>C on the plus strand (A>G on the coding strand, the complement: TTN is on the minus strand). VCF-style: chr2-178712021-T-C. GRCh37 (hg19) VCF-style: chr2-179576748-T-C.
Other names: c.26858A>G, p.Asn8953Ser (NM_001256850.1); c.24077A>G, p.Asn8026Ser (NM_133378.4); c.13282+26061A>G (NM_003319.4); c.13858+26061A>G (NM_133437.4); c.13657+26061A>G (NM_133432.3); short protein forms N8026S, N8953S, N9270S.
Identifiers: ClinVar variation 2430519 (VCV002430519.2), dbSNP rs763189626, ClinGen allele CA1999723.
Genomic context (GRCh38, chr2:178,712,021, plus strand): 5'-GTTGATGCAGAAACTTCTCCCACGCTGTTTTCAGCTTTGCAGATATATTCTCCACTATCA[T>C]TAATATCAACCTGGTTGAAAACCAGTGTAGCAACATTATTCCTAAAATGCATTTTGTAAG-3'
Protein context (NP_001254479.2, residues 9260-9280): ATLVFNQVDI[Asn9270Ser]DSGEYICKAE

ClinVar aggregate classification (germline): Uncertain significance. Review status: criteria provided, multiple submitters, no conflicts (2 of 4 stars). 2 submissions from 2 submitters: Uncertain significance (2). Last evaluated 2025-04-07.

Conditions:
TTN-related disorder. Also called: TTN-related condition; TTN-related disease; TTN-related disorders.

Allele frequency attached by ClinVar (database versions not stated): ExAC 0.00001; gnomAD 0.00001; TOPMed 0.00002; gnomAD exomes 0.00004.
gnomAD v4.1: 66 of 1,613,714 alleles (0.0041%); highest among the groups gnomAD compares: Non-Finnish European, 0.0051%; no homozygotes.

Submissions (2):

PreventionGenetics, part of Exact Sciences
Classification: Uncertain significance for TTN-related condition. Last evaluated: 2025-04-07. Review status: criteria provided, single submitter. Criteria: ACMG Guidelines, 2015. Collection method: clinical testing. Allele origin: germline.
Comment: The TTN c.27809A>G variant is predicted to result in the amino acid substitution p.Asn9270Ser. To our knowledge, this variant has not been reported in the literature. This variant is reported in 0.0065% of alleles in individuals of African descent in gnomAD. At this time, the clinical significance of this variant is uncertain due to the absence of conclusive functional and genetic evidence.

GeneDx
Classification: Uncertain significance. Last evaluated: 2022-08-24. Review status: criteria provided, single submitter. Criteria: GeneDx Variant Classification Process June 2021. Collection method: clinical testing. Allele origin: germline. Affected: yes.
Comment: Not observed at significant frequency in large population cohorts (gnomAD); Missense variant in a gene in which most reported pathogenic variants are truncating/loss of function; Has not been previously published as pathogenic or benign to our knowledge